The following is an entry in ClinVar:

NM_173628.4(DNAH17):c.3379G>C (p.Gly1127Arg)

Gene: DNAH17 (dynein axonemal heavy chain 17; minus strand). Cytogenetic location: 17q25.3.
Variant type: single nucleotide variant.
Coding change: c.3379G>C on transcript NM_173628.4 (MANE Select); coding-DNA position 3379, G replaced by C.
Protein change: p.Gly1127Arg; replaces glycine 1127 with arginine.
Molecular consequence: missense variant.
Genome position (GRCh38, 1-based): chr17:78,529,600, C>G on the plus strand (G>C on the coding strand, the complement: DNAH17 is on the minus strand). VCF-style: chr17-78529600-C-G. GRCh37 (hg19) VCF-style: chr17-76525682-C-G.
Other names: short protein forms G1127R.
Identifiers: ClinVar variation 2244439 (VCV002244439.5), dbSNP rs61733896, ClinGen allele CA8804225.

ClinVar aggregate classification (germline): Uncertain significance. Review status: criteria provided, single submitter (1 of 4 stars). 2 submissions from 2 submitters: Uncertain significance (1). 1 of the submissions does not count toward it. Last evaluated 2024-04-29.

Conditions:
DNAH17-related disorder. Also called: DNAH17-related condition.
Inborn genetic diseases. Identifiers: MedGen C0950123, MeSH D030342.

Allele frequency attached by ClinVar (database versions not stated): 1000 Genomes Project 0.00140; 1000 Genomes Project 30x 0.00156; ESP Exome Variant Server 0.00168; gnomAD 0.00172; TOPMed 0.00188.
gnomAD v4.1: 495 of 1,613,936 alleles (0.031%); highest among the groups gnomAD compares: African/African-American, 0.63%; 2 homozygotes.

Submissions (2):

Ambry Genetics
Classification: Uncertain significance for Inborn genetic diseases. Last evaluated: 2024-04-29. Review status: criteria provided, single submitter. Criteria: Ambry Variant Classification Scheme 2023. Collection method: clinical testing. Allele origin: germline.

PreventionGenetics, part of Exact Sciences
Classification: Likely benign for DNAH17-related condition. Last evaluated: 2019-04-01. Review status: no assertion criteria provided. Collection method: clinical testing. Allele origin: germline. Not counted in ClinVar's aggregate classification.
Comment: This variant is classified as likely benign based on ACMG/AMP sequence variant interpretation guidelines (Richards et al. 2015 PMID: 25741868, with internal and published modifications).